The following is an entry in ClinVar:

ClinVar aggregate classification (germline): Uncertain significance (1 of 4 stars; one submission).

Conditions:
Neuronal ceroid lipofuscinosis. Also called: Neuronal Ceroid Lipofuscinoses. Identifiers: Orphanet 216, Orphanet 79263, MedGen C0027877, MONDO:0016295. Disease mechanism: loss of function.

Allele frequency attached by ClinVar (database versions not stated): TOPMed 0.00002.
gnomAD v4.1: 57 of 1,614,026 alleles (0.0035%); highest among the groups gnomAD compares: South Asian, 0.06%; no homozygotes.

Submission:

Labcorp Genetics (formerly Invitae), Labcorp
Classification: Uncertain significance for Neuronal ceroid lipofuscinosis. Last evaluated: 2025-10-16. Review status: criteria provided, single submitter. Criteria: Invitae Variant Classification Sherloc (09022015). Collection method: clinical testing. Allele origin: germline.
Comment: This sequence change replaces alanine, which is neutral and non-polar, with threonine, which is neutral and polar, at codon 65 of the DNAJC5 protein (p.Ala65Thr). This variant is present in population databases (rs772453351, gnomAD 0.05%), and has an allele count higher than expected for a pathogenic variant. This variant has not been reported in the literature in individuals affected with DNAJC5-related conditions. ClinVar contains an entry for this variant (Variation ID: 955182). An algorithm developed to predict the effect of missense changes on protein structure and function outputs the following: PolyPhen-2: "Benign". The threonine amino acid residue is found in multiple mammalian species, which suggests that this missense change does not adversely affect protein function. In summary, the available evidence is currently insufficient to determine the role of this variant in disease. Therefore, it has been classified as a Variant of Uncertain Significance.

NM_025219.3(DNAJC5):c.193G>A (p.Ala65Thr)

Gene: DNAJC5 (DnaJ heat shock protein family (Hsp40) member C5; plus strand). Cytogenetic location: 20q13.33.
Variant type: single nucleotide variant.
Coding change: c.193G>A on transcript NM_025219.3 (MANE Select); coding-DNA position 193, G replaced by A.
Protein change: p.Ala65Thr; replaces alanine 65 with threonine.
Molecular consequence: missense variant.
Genome position (GRCh38, 1-based): chr20:63,929,397, G>A. VCF-style: chr20-63929397-G-A. GRCh37 (hg19) VCF-style: chr20-62560750-G-A.
Other names: short protein forms A65T.
Identifiers: ClinVar variation 955182 (VCV000955182.8), dbSNP rs772453351, ClinGen allele CA9969667.